The following is an entry in ClinVar:

ClinVar aggregate classification (germline): Uncertain significance. Review status: criteria provided, multiple submitters, no conflicts (2 of 4 stars). 2 submissions from 2 submitters: Uncertain significance (2). Last evaluated 2025-12-16.

Conditions:
Inborn genetic diseases. Identifiers: MedGen C0950123, MeSH D030342.

Allele frequency attached by ClinVar (database versions not stated): gnomAD 0.00001; TOPMed 0.00001; gnomAD exomes 0.00003; ExAC 0.00001.
gnomAD v4.1: 46 of 1,613,786 alleles (0.0029%); highest among the groups gnomAD compares: Non-Finnish European, 0.0036%; no homozygotes.

Submissions (2):

Ambry Genetics
Classification: Uncertain significance for Inborn genetic diseases. Last evaluated: 2025-12-16. Review status: criteria provided, single submitter. Criteria: Ambry Variant Classification Scheme 2023. Collection method: clinical testing. Allele origin: germline.

Labcorp Genetics (formerly Invitae), Labcorp
Classification: Uncertain significance. Last evaluated: 2022-11-15. Review status: criteria provided, single submitter. Criteria: Invitae Variant Classification Sherloc (09022015). Collection method: clinical testing. Allele origin: germline.
Comment: In summary, the available evidence is currently insufficient to determine the role of this variant in disease. Therefore, it has been classified as a Variant of Uncertain Significance. Algorithms developed to predict the effect of missense changes on protein structure and function are either unavailable or do not agree on the potential impact of this missense change (SIFT: "Deleterious"; PolyPhen-2: "Benign"; Align-GVGD: "Class C25"). This variant has not been reported in the literature in individuals affected with MPDZ-related conditions. This variant is present in population databases (rs760054205, gnomAD 0.0009%). This sequence change replaces isoleucine, which is neutral and non-polar, with threonine, which is neutral and polar, at codon 1726 of the MPDZ protein (p.Ile1726Thr).

NM_001378778.1(MPDZ):c.5177T>C (p.Ile1726Thr)

Gene: MPDZ (multiple PDZ domain crumbs cell polarity complex component; minus strand). Cytogenetic location: 9p23.
Variant type: single nucleotide variant.
Coding change: c.5177T>C on transcript NM_001378778.1 (MANE Select); coding-DNA position 5177, T replaced by C.
Protein change: p.Ile1726Thr; replaces isoleucine 1726 with threonine.
Molecular consequence: missense variant.
Genome position (GRCh38, 1-based): chr9:13,121,793, A>G on the plus strand (T>C on the coding strand, the complement: MPDZ is on the minus strand). VCF-style: chr9-13121793-A-G. GRCh37 (hg19) VCF-style: chr9-13121792-A-G.
Other names: c.5078T>C, p.Ile1693Thr (NM_001261406.2, NM_001261407.2, NM_001375416.1 and 3 more transcripts); c.4967T>C, p.Ile1656Thr (NM_001375424.1, NM_001375425.1, NM_001375426.1 and 4 more transcripts); c.4769T>C, p.Ile1590Thr (NM_001375427.1); c.5177T>C, p.Ile1726Thr (NM_003829.5, NM_001330637.2); c.5177T>C (NM_003829.3); c.5276T>C, p.Ile1759Thr (NM_001375413.1); short protein forms I1693T, I1759T, I1590T, I1656T, I1726T.
Identifiers: ClinVar variation 2160394 (VCV002160394.4), dbSNP rs760054205, ClinGen allele CA4986409.